The following is an entry in ClinVar:

ClinVar aggregate classification (germline): Likely benign (1 of 4 stars; one submission).

Submission:

GeneDx
Classification: Likely benign. Last evaluated: 2018-06-16. Review status: criteria provided, single submitter. Criteria: GeneDx Variant Classification (06012015). Collection method: clinical testing. Allele origin: germline. Affected: yes.
Comment: This variant is considered likely benign or benign based on one or more of the following criteria: it is a conservative change, it occurs at a poorly conserved position in the protein, it is predicted to be benign by multiple in silico algorithms, and/or has population frequency not consistent with disease.

NM_005465.7(AKT3):c.46+139GT[2]

Gene: AKT3 (AKT serine/threonine kinase 3; minus strand). Cytogenetic location: 1q44.
Variant type: Microsatellite.
Coding change: c.46+139GT[2] on transcript NM_005465.7 (MANE Select); two copies in a row of the 2-base unit GT starting at c.46+139; the reference has three copies in a row; one copy, 2 bases deleted.
Molecular consequence: intron variant.
Genome position (GRCh38, 1-based): chr1:243,842,981-243,842,982, AC deleted on the plus strand (GT on the coding strand, the reverse complement: AKT3 is on the minus strand); deleting any 2 consecutive bases within chr1:243,842,981-243,842,986 gives the same sequence; the position shown is the placement nearest the transcript's 3' end. VCF-style (leftmost placement, unchanged base first): chr1-243842980-AAC-A. GRCh37 (hg19) VCF-style: chr1-244006282-AAC-A.
Other names: c.46+139GT[2] (NM_181690.2, NM_001370074.1, NM_001206729.2).
Identifiers: ClinVar variation 679387 (VCV000679387.1), dbSNP rs143722708, ClinGen allele CA41057310.
Genomic context (GRCh38, chr1:243,842,980, plus strand): 5'-GATTATAAATGCTCAAAATCAAGAATTACAAAAAAATCCCTTAATAACAAGCAAATTCCT[AAC>A]ACACGTTAAATATATCATTTCTCTCTTACTAGACATAGCATGACACAGTTTAACAGTATC-3'